The following is an entry in ClinVar:

ClinVar aggregate classification (germline): Uncertain significance (1 of 4 stars; one submission).

Conditions:
Familial adenomatous polyposis 1 (FAP1). Also called: FAMILIAL ADENOMATOUS POLYPOSIS 1, ATTENUATED; POLYPOSIS, ADENOMATOUS INTESTINAL. Identifiers: MedGen C2713442, MONDO:0021056, OMIM 175100. Disease mechanism: loss of function.

Submission:

Labcorp Genetics (formerly Invitae), Labcorp
Classification: Uncertain significance for Familial adenomatous polyposis 1. Last evaluated: 2025-12-13. Review status: criteria provided, single submitter. Criteria: Invitae Variant Classification Sherloc (09022015). Collection method: clinical testing. Allele origin: germline.
Comment: This variant occurs in a non-coding region of the APC gene. It does not change the encoded amino acid sequence of the APC protein. This variant is not present in population databases (gnomAD no frequency). This variant has not been reported in the literature in individuals affected with APC-related conditions. Experimental studies and prediction algorithms are not available or were not evaluated, and the functional significance of this variant is currently unknown. In summary, the available evidence is currently insufficient to determine the role of this variant in disease. Therefore, it has been classified as a Variant of Uncertain Significance.

NC_000005.10:g.112707400G>A

Gene: APC (APC regulator of Wnt signaling pathway; plus strand). Cytogenetic location: 5q22.2.
Variant type: single nucleotide variant.
Genome position: GRCh38 VCF-style: chr5-112707400-G-A. GRCh37 (hg19) VCF-style: chr5-112043097-G-A.
Identifiers: ClinVar variation 998760 (VCV000998760.46), dbSNP rs1750555732, ClinGen allele CA1573442249.